The following is an entry in ClinVar:

NM_014844.5(TECPR2):c.2753-1G>A

Gene: TECPR2 (tectonin beta-propeller repeat containing 2; plus strand). Cytogenetic location: 14q32.31.
Variant type: single nucleotide variant.
Coding change: c.2753-1G>A on transcript NM_014844.5 (MANE Select); the canonical splice acceptor site of the intron before coding-DNA position 2753, G replaced by A.
Molecular consequence: splice acceptor variant.
Genome position (GRCh38, 1-based): chr14:102,443,646, G>A. VCF-style: chr14-102443646-G-A. GRCh37 (hg19) VCF-style: chr14-102909983-G-A.
Other names: c.2753-1G>A (NM_001172631.3).
Identifiers: ClinVar variation 1184452 (VCV001184452.8), dbSNP rs1276623521, ClinGen allele CA391067036.

ClinVar aggregate classification (germline): Likely pathogenic. Review status: criteria provided, multiple submitters, no conflicts (2 of 4 stars). 3 submissions from 3 submitters: Likely pathogenic (2). 1 of the submissions does not count toward it. Last evaluated 2024-04-23.

Conditions:
Hereditary spastic paraplegia 49 (HSAN9). Also called: NEUROPATHY, HEREDITARY SENSORY AND AUTONOMIC, TYPE IX, WITH DEVELOPMENTAL DELAY; Spastic paraplegia 49, autosomal recessive; TECPR2-Related Hereditary Sensory and Autonomic Neuropathy with Intellectual Disability. Identifiers: Orphanet 320385, MedGen C5190860, MONDO:0014016, OMIM 615031.

Allele frequency attached by ClinVar (database versions not stated): gnomAD exomes below 0.00001 and 0.00001.
gnomAD v4.1: 10 of 1,567,464 alleles (0.00064%); highest among the groups gnomAD compares: Non-Finnish European, 0.00078%; no homozygotes.

Submissions (3):

Fulgent Genetics
Classification: Likely pathogenic for Hereditary spastic paraplegia 49. Last evaluated: 2024-04-23. Review status: criteria provided, single submitter. Criteria: ACMG Guidelines, 2015. Collection method: clinical testing. Allele origin: germline.

Labcorp Genetics (formerly Invitae), Labcorp
Classification: Likely pathogenic for Hereditary spastic paraplegia 49. Last evaluated: 2024-02-09. Review status: criteria provided, single submitter. Criteria: Invitae Variant Classification Sherloc (09022015). Collection method: clinical testing. Allele origin: germline.
Comment: This sequence change affects an acceptor splice site in intron 11 of the TECPR2 gene. It is expected to disrupt RNA splicing. Variants that disrupt the donor or acceptor splice site typically lead to a loss of protein function (PMID: 16199547), and loss-of-function variants in TECPR2 are known to be pathogenic (PMID: 23176824, 25590979). The frequency data for this variant in the population databases is considered unreliable, as metrics indicate poor data quality at this position in the gnomAD database. This variant has not been reported in the literature in individuals affected with TECPR2-related conditions. ClinVar contains an entry for this variant (Variation ID: 1184452). Algorithms developed to predict the effect of sequence changes on RNA splicing suggest that this variant may disrupt the consensus splice site. In summary, the currently available evidence indicates that the variant is pathogenic, but additional data are needed to prove that conclusively. Therefore, this variant has been classified as Likely Pathogenic.

Genomics England Pilot Project, Genomics England
Classification: Likely pathogenic for Hereditary spastic paraplegia 49. Review status: no assertion criteria provided. Criteria: ACGS Guidelines, 2016. Collection method: clinical testing. Allele origin: germline. Affected: yes. Not counted in ClinVar's aggregate classification.

Literature cited by the submitters: PubMed 16199547 (cited by Labcorp Genetics (formerly Invitae), Labcorp); PubMed 23176824 (cited by Labcorp Genetics (formerly Invitae), Labcorp); PubMed 25590979 (cited by Labcorp Genetics (formerly Invitae), Labcorp).